The following is an entry in ClinVar:

ClinVar aggregate classification (germline): Likely pathogenic (1 of 4 stars; one submission).

Conditions:
Joubert syndrome 15 (JBTS15). Identifiers: Orphanet 475, MedGen C3280897, MONDO:0013763, OMIM 614464.

Allele frequency attached by ClinVar (database versions not stated): TOPMed below 0.00001; gnomAD 0.00001.

Submission:

Rady Children's Institute for Genomic Medicine, Rady Children's Hospital San Diego
Classification: Likely pathogenic for JOUBERT SYNDROME 15. Last evaluated: 2018-07-23. Review status: criteria provided, single submitter. Criteria: ACMG Guidelines, 2015. Collection method: clinical testing. Allele origin: germline. Affected: yes. Observed: 1 variant allele.
Comment: This frameshifting variant in exon 10 of 11 introduces a premature stop codon and is therefore predicted to result in loss of normal protein function. This variant has not been previously reported or functionally characterized in the literature to our knowledge. It is absent from the ExAC and gnomAD population databases and thus is presumed to be rare. Based on the available evidence, the c.942_943delGG (p.Glu315ArgfsTer10) variant is classified as likely pathogenic.

NM_018718.3(CEP41):c.942_943del (p.Glu315fs)

Gene: CEP41 (centrosomal protein 41; minus strand). Cytogenetic location: 7q32.2.
Variant type: Deletion.
Coding change: c.942_943del on transcript NM_018718.3 (MANE Select); coding-DNA positions 942 to 943, 2 bases deleted (GG; older notation c.942_943delGG).
Protein change: p.Glu315fs; shifts the reading frame from glutamic acid 315.
Molecular consequence: frameshift variant. On other transcripts: non-coding transcript variant (1), intron variant (2).
Genome position (GRCh38, 1-based): chr7:130,400,069-130,400,070, CC deleted on the plus strand (GG on the coding strand, the reverse complement: CEP41 is on the minus strand). VCF-style (leftmost placement, unchanged base first): chr7-130400068-TCC-T. GRCh37 (hg19) VCF-style: chr7-130039909-TCC-T.
Other names: c.709+637_709+638del (NM_001257159.2); c.757+637_757+638del (NM_001257158.2); short protein forms E315fs.
Identifiers: ClinVar variation 692046 (VCV000692046.1), dbSNP rs1584867379, ClinGen allele CA915945529.